The following is an entry in ClinVar:

NM_001035.3(RYR2):c.1038A>G (p.Val346=)

Gene: RYR2 (ryanodine receptor 2; plus strand). Cytogenetic location: 1q43.
Variant type: single nucleotide variant.
Coding change: c.1038A>G on transcript NM_001035.3 (MANE Select); coding-DNA position 1038, A replaced by G.
Protein change: p.Val346=; no amino-acid change (valine 346 retained).
Molecular consequence: synonymous variant.
Genome position (GRCh38, 1-based): chr1:237,441,351, A>G. VCF-style: chr1-237441351-A-G. GRCh37 (hg19) VCF-style: chr1-237604651-A-G.
Other names: c.1038A>G (NM_001035.2).
Identifiers: ClinVar variation 1332187 (VCV001332187.13), dbSNP rs796573345, ClinGen allele CA39778202.

ClinVar aggregate classification (germline): Likely benign. Review status: criteria provided, multiple submitters, no conflicts (2 of 4 stars). 4 submissions from 4 submitters: Likely benign (4). Last evaluated 2025-12-31.

Conditions:
Cardiomyopathy (CMYO). Also called: Cardiomyopathies. Identifiers: Orphanet 167848, MedGen C0878544, MONDO:0004994, HP:0001638. Inheritance: Various modes of inheritance.
Catecholaminergic polymorphic ventricular tachycardia (CVPT). Also called: Catecholamine-induced polymorphic ventricular tachycardia. Identifiers: Orphanet 3286, MedGen C5574922, MONDO:0017990.
Catecholaminergic polymorphic ventricular tachycardia 1. Also called: VENTRICULAR TACHYCARDIA, CATECHOLAMINERGIC POLYMORPHIC, 1, WITH OR WITHOUT ATRIAL DYSFUNCTION AND/OR DILATED CARDIOMYOPATHY; VENTRICULAR TACHYCARDIA, STRESS-INDUCED POLYMORPHIC 1; RYR2-Related Catecholaminergic Polymorphic Ventricular Tachycardia. Identifiers: Orphanet 3286, MedGen C1631597, MONDO:0011484, OMIM 604772.
Cardiovascular phenotype. Identifiers: MedGen CN230736.

Allele frequency attached by ClinVar (database versions not stated): gnomAD exomes below 0.00001 and 0.00001; gnomAD 0.00001.
gnomAD v4.1: 15 of 1,613,694 alleles (0.00093%); highest among the groups gnomAD compares: African/African-American, 0.0027%; no homozygotes.

Submissions (4):

Labcorp Genetics (formerly Invitae), Labcorp
Classification: Likely benign for Catecholaminergic polymorphic ventricular tachycardia 1. Last evaluated: 2025-12-31. Review status: criteria provided, single submitter. Criteria: Invitae Variant Classification Sherloc (09022015). Collection method: clinical testing. Allele origin: germline.

Ambry Genetics
Classification: Likely benign for Cardiovascular phenotype. Last evaluated: 2024-05-11. Review status: criteria provided, single submitter. Criteria: Ambry Variant Classification Scheme 2023. Collection method: clinical testing. Allele origin: germline.

All of Us Research Program, National Institutes of Health
Classification: Likely benign for Catecholaminergic polymorphic ventricular tachycardia. Last evaluated: 2023-06-26. Review status: criteria provided, single submitter. Criteria: ACMG Guidelines, 2015. Collection method: clinical testing. Allele origin: germline. Inheritance: Autosomal dominant inheritance. Observed: 1 variant allele, 1 heterozygote.
Comment: This study involves interpretation of variants in research participants for the purpose of population health screening. Participant phenotype was not available at the time of variant classification. Additional details can be found in publication PMID: 35346344, PMCID: PMC8962531

Color Diagnostics, LLC DBA Color Health
Classification: Likely benign for Cardiomyopathy. Last evaluated: 2021-07-14. Review status: criteria provided, single submitter. Criteria: ACMG Guidelines, 2015. Collection method: clinical testing. Allele origin: germline.